The following is an entry in ClinVar:

NM_000512.5(GALNS):c.296C>T (p.Thr99Ile)

Gene: GALNS (galactosamine (N-acetyl)-6-sulfatase; minus strand). Cytogenetic location: 16q24.3.
Variant type: single nucleotide variant.
Coding change: c.296C>T on transcript NM_000512.5 (MANE Select); coding-DNA position 296, C replaced by T.
Protein change: p.Thr99Ile; replaces threonine 99 with isoleucine.
Molecular consequence: missense variant. On other transcripts: 5 prime UTR variant (1).
Genome position (GRCh38, 1-based): chr16:88,841,920, G>A on the plus strand (C>T on the coding strand, the complement: GALNS is on the minus strand). VCF-style: chr16-88841920-G-A. GRCh37 (hg19) VCF-style: chr16-88908328-G-A.
Other names: c.-260C>T (NM_001323543.2); c.314C>T, p.Thr105Ile (NM_001323544.2); short protein forms T105I, T99I.
Identifiers: ClinVar variation 1048181 (VCV001048181.3), dbSNP rs2143005081, ClinGen allele CA397089080.
Genomic context (GRCh38, chr16:88,841,920, plus strand): 5'-ACCCCAAGGGTGTCCCTGGAGGCGGTGGGCAGCCTACCGTTTCTGGCATGGGCGTTGGTG[G>A]TGTAGAAGCCATTGCGGATGGGTAGCCGTCCTGTGAGCAGTGCCGCCCTCGCTATGTGGA-3'
Protein context (NP_000503.1, residues 89-109): GRLPIRNGFY[Thr99Ile]TNAHARNAYT

ClinVar aggregate classification (germline): Uncertain significance (1 of 4 stars; one submission).

Conditions:
Mucopolysaccharidosis, MPS-IV-A (MPS4A). Also called: Mucopolysaccharidosis type IV A; Mucopolysaccharidosis Type IVA; Morquio syndrome A, mild; MORQUIO SYNDROME A; MPS IVA; mucopolysaccharidosis type 4A. Identifiers: Orphanet 309297, Orphanet 582, MedGen C0086651, MONDO:0009659, OMIM 253000.

Submission:

Laboratory of Diagnosis and Therapy of Lysosomal Disorders, University of Padova
Classification: Uncertain significance for Mucopolysaccharidosis, MPS-IV-A. Last evaluated: 2021-02-01. Review status: criteria provided, single submitter. Criteria: ACMG Guidelines, 2015. Collection method: research. Allele origin: germline. Affected: yes.
Comment: Absent from gnomAD v2.1.1 (PM2_moderate); multiple lines of computational evidence support a deleterious effect on the gene (PP3_supporting)

Literature cited by the submitters: PubMed 34387910.